The following is an entry in ClinVar:

NM_173477.5(USH1G):c.859A>G (p.Thr287Ala)

Gene: USH1G (USH1 protein network component sans; minus strand). Cytogenetic location: 17q25.1.
Variant type: single nucleotide variant.
Coding change: c.859A>G on transcript NM_173477.5 (MANE Select); coding-DNA position 859, A replaced by G.
Protein change: p.Thr287Ala; replaces threonine 287 with alanine.
Molecular consequence: missense variant.
Genome position (GRCh38, 1-based): chr17:74,919,977, T>C on the plus strand (A>G on the coding strand, the complement: USH1G is on the minus strand). VCF-style: chr17-74919977-T-C. GRCh37 (hg19) VCF-style: chr17-72916072-T-C.
Other names: c.550A>G, p.Thr184Ala (NM_001282489.3); short protein forms T184A, T287A.
Identifiers: ClinVar variation 935926 (VCV000935926.11), dbSNP rs199782834, ClinGen allele CA8753984.
Genomic context (GRCh38, chr17:74,919,977, plus strand): 5'-ACAGGGAGTCGTGGCCTGAGTCGGTGCTGACCTCCGAGTGGGCAGGCTCGGCCGCCAGCG[T>C]GGCACGGGAGACGCTGTCCTCGTCCGAGAGGAACATGTCCCGGAGCGGGGCTCGGCCCCA-3'
Protein context (NP_775748.2, residues 277-297): LSDEDSVSRA[Thr287Ala]LAAEPAHSEV

ClinVar aggregate classification (germline): Uncertain significance. Review status: criteria provided, multiple submitters, no conflicts (2 of 4 stars). 3 submissions from 3 submitters: Uncertain significance (3). Last evaluated 2025-10-13.

Conditions:
Usher syndrome type 1G. Also called: USHER SYNDROME, TYPE IG, MILD. Identifiers: Orphanet 231169, Orphanet 886, MedGen C1847089, MONDO:0011748, OMIM 606943.

Allele frequency attached by ClinVar (database versions not stated): gnomAD 0.00002; gnomAD exomes 0.00002; TOPMed 0.00002; ExAC 0.00006; ESP Exome Variant Server 0.00008.
gnomAD v4.1: 38 of 1,611,906 alleles (0.0024%); highest among the groups gnomAD compares: Non-Finnish European, 0.0028%; no homozygotes.

Submissions (3):

Labcorp Genetics (formerly Invitae), Labcorp
Classification: Uncertain significance. Last evaluated: 2025-10-13. Review status: criteria provided, single submitter. Criteria: Invitae Variant Classification Sherloc (09022015). Collection method: clinical testing. Allele origin: germline.
Comment: This sequence change replaces threonine, which is neutral and polar, with alanine, which is neutral and non-polar, at codon 287 of the USH1G protein (p.Thr287Ala). This variant is present in population databases (rs199782834, gnomAD 0.007%). This variant has not been reported in the literature in individuals affected with USH1G-related conditions. ClinVar contains an entry for this variant (Variation ID: 935926). Invitae Evidence Modeling of protein sequence and biophysical properties (such as structural, functional, and spatial information, amino acid conservation, physicochemical variation, residue mobility, and thermodynamic stability) indicates that this missense variant is not expected to disrupt USH1G protein function with a negative predictive value of 80%. In summary, the available evidence is currently insufficient to determine the role of this variant in disease. Therefore, it has been classified as a Variant of Uncertain Significance.

Blueprint Genetics
Classification: Uncertain significance. Last evaluated: 2022-05-19. Review status: criteria provided, single submitter. Criteria: ACMG Guidelines, 2015. Collection method: clinical testing. Allele origin: germline.

Fulgent Genetics
Classification: Uncertain significance for Usher syndrome type 1G. Last evaluated: 2021-07-14. Review status: criteria provided, single submitter. Criteria: ACMG Guidelines, 2015. Collection method: clinical testing. Allele origin: unknown.